The following is an entry in ClinVar:

ClinVar aggregate classification (germline): Uncertain significance (1 of 4 stars; one submission).

Conditions:
Idiopathic generalized epilepsy. Also called: EIG; Generalised epilepsy. Identifiers: MedGen C0270850, MONDO:0005579, OMIM 600669.

Submission:

Labcorp Genetics (formerly Invitae), Labcorp
Classification: Uncertain significance for Idiopathic generalized epilepsy. Last evaluated: 2023-12-02. Review status: criteria provided, single submitter. Criteria: Invitae Variant Classification Sherloc (09022015). Collection method: clinical testing. Allele origin: germline.
Comment: This sequence change replaces alanine, which is neutral and non-polar, with aspartic acid, which is acidic and polar, at codon 360 of the RBFOX1 protein (p.Ala360Asp). This variant is not present in population databases (gnomAD no frequency). This variant has not been reported in the literature in individuals affected with RBFOX1-related conditions. ClinVar contains an entry for this variant (Variation ID: 844377). Advanced modeling of protein sequence and biophysical properties (such as structural, functional, and spatial information, amino acid conservation, physicochemical variation, residue mobility, and thermodynamic stability) has been performed at Invitae for this missense variant, however the output from this modeling did not meet the statistical confidence thresholds required to predict the impact of this variant on RBFOX1 protein function. In summary, the available evidence is currently insufficient to determine the role of this variant in disease. Therefore, it has been classified as a Variant of Uncertain Significance.

NM_018723.4(RBFOX1):c.1016C>A (p.Ala339Asp)

Genes: RBFOX1 (RNA binding fox-1 homolog 1; plus strand), LOC126862279 (MED14-independent group 3 enhancer GRCh37_chr16:7758954-7760153; plus strand). Cytogenetic location: 16p13.3.
Variant type: single nucleotide variant.
Coding change: c.1016C>A on transcript NM_018723.4 (MANE Select); coding-DNA position 1016, C replaced by A.
Protein change: p.Ala339Asp; replaces alanine 339 with aspartic acid.
Molecular consequence: missense variant.
Genome position (GRCh38, 1-based): chr16:7,709,076, C>A. VCF-style: chr16-7709076-C-A. GRCh37 (hg19) VCF-style: chr16-7759078-C-A.
Other names: c.935C>A, p.Ala312Asp (NM_001142333.2); c.1016C>A, p.Ala339Asp (NM_001142334.2); c.1145C>A, p.Ala382Asp (NM_001308117.1); c.1069C>A, p.Pro357Thr (NM_001364800.2); c.1079C>A, p.Ala360Asp (NM_145891.3, NM_145892.3); c.1132C>A, p.Pro378Thr (NM_145893.3); short protein forms A382D, P378T, A339D, A312D, A360D, P357T.
Identifiers: ClinVar variation 844377 (VCV000844377.10), dbSNP rs1465514323, ClinGen allele CA394795504.